The following is an entry in ClinVar:

NM_000142.5(FGFR3):c.983A>G (p.Asn328Ser)

Gene: FGFR3 (fibroblast growth factor receptor 3; plus strand). Cytogenetic location: 4p16.3.
Variant type: single nucleotide variant.
Coding change: c.983A>G on transcript NM_000142.5 (MANE Select); coding-DNA position 983, A replaced by G.
Protein change: p.Asn328Ser; replaces asparagine 328 with serine.
Molecular consequence: missense variant. On other transcripts: intron variant (2), non-coding transcript variant (1).
Genome position (GRCh38, 1-based): chr4:1,803,744, A>G. VCF-style: chr4-1803744-A-G. GRCh37 (hg19) VCF-style: chr4-1805471-A-G.
Other names: c.931-1080A>G (NM_022965.4); c.983A>G, p.Asn328Ser (NM_001354809.2, NM_001354810.2); c.1082-586A>G (NM_001163213.2); short protein forms N328S.
Identifiers: ClinVar variation 2920603 (VCV002920603.3), dbSNP rs587778817, ClinGen allele CA355978247.

ClinVar aggregate classification (germline): Uncertain significance (1 of 4 stars; one submission).

Allele frequency attached by ClinVar (database versions not stated): TOPMed below 0.00001; gnomAD 0.00001; gnomAD exomes 0.00001.
gnomAD v4.1: 9 of 1,613,884 alleles (0.00056%); highest among the groups gnomAD compares: Non-Finnish European, 0.00076%; no homozygotes.

Submission:

Labcorp Genetics (formerly Invitae), Labcorp
Classification: Uncertain significance. Last evaluated: 2024-06-28. Review status: criteria provided, single submitter. Criteria: Invitae Variant Classification Sherloc (09022015). Collection method: clinical testing. Allele origin: germline.
Comment: This sequence change replaces asparagine, which is neutral and polar, with serine, which is neutral and polar, at codon 328 of the FGFR3 protein (p.Asn328Ser). This variant is present in population databases (no rsID available, gnomAD 0.0009%). This variant has not been reported in the literature in individuals affected with FGFR3-related conditions. Advanced modeling of protein sequence and biophysical properties (such as structural, functional, and spatial information, amino acid conservation, physicochemical variation, residue mobility, and thermodynamic stability) performed at Invitae indicates that this missense variant is expected to disrupt FGFR3 protein function with a positive predictive value of 80%. In summary, the available evidence is currently insufficient to determine the role of this variant in disease. Therefore, it has been classified as a Variant of Uncertain Significance.